The following is an entry in ClinVar:

NM_001137550.2(LRRFIP1):c.1459+3380C>T

Gene: LRRFIP1 (LRR binding FLII interacting protein 1; plus strand). Cytogenetic location: 2q37.3.
Variant type: single nucleotide variant.
Coding change: c.1459+3380C>T on transcript NM_001137550.2 (MANE Select); 3380 bases into the intron after coding-DNA position 1459, C replaced by T.
Molecular consequence: intron variant. On other transcripts: synonymous variant (3).
Genome position (GRCh38, 1-based): chr2:237,763,585, C>T. VCF-style: chr2-237763585-C-T. GRCh37 (hg19) VCF-style: chr2-238672228-C-T.
Other names: c.1872C>T, p.Asn624= (NM_001137552.2); c.1704C>T, p.Asn568= (NM_001137553.2); c.1800C>T, p.Asn600= (NM_004735.4); c.721+3380C>T (NM_001137551.2).
Identifiers: ClinVar variation 2652056 (VCV002652056.24), dbSNP rs146819325, ClinGen allele CA2192232.
Genomic context (GRCh38, chr2:237,763,585, plus strand): 5'-AATTAAGGAAGAAGAGCAGGTAAAGTCTACTGACAGAAAGTCAGCAGTGGAAGCCCAAAA[C>T]GAGGTGACTGAAAATCCAAAACAGAAAATTGCAGCAGAAAGCAGTGAAAATGTTGATTGT-3'

ClinVar aggregate classification (germline): Likely benign (1 of 4 stars; one submission).

Allele frequency attached by ClinVar (database versions not stated): ExAC 0.00134; gnomAD 0.00248; ESP Exome Variant Server 0.00262; TOPMed 0.00290; 1000 Genomes Project 0.00319; 1000 Genomes Project 30x 0.00359.
gnomAD v4.1: 1,364 of 1,613,126 alleles (0.085%); highest among the groups gnomAD compares: African/African-American, 0.59%; 2 homozygotes.

Submission:

CeGaT Center for Human Genetics Tuebingen
Classification: Likely benign. Last evaluated: 2022-05-01. Review status: criteria provided, single submitter. Criteria: CeGaT Center For Human Genetics Tuebingen Variant Classification Criteria Version 2. Collection method: clinical testing. Allele origin: germline. Affected: yes. Observed: 1 variant allele.
Comment: LRRFIP1: BP4, BP7